The following is an entry in ClinVar:

ClinVar aggregate classification (germline): Uncertain significance (1 of 4 stars; one submission).

Conditions:
Fanconi anemia complementation group J. Also called: BRIP1-Related Fanconi Anemia. Identifiers: Orphanet 84, MedGen C1836860, MONDO:0012187, OMIM 609054.
Familial cancer of breast. Also called: BREAST CANCER, FAMILIAL; hereditary breast carcinoma; Hereditary breast cancer. Identifiers: Orphanet 227535, MedGen C0346153, MONDO:0016419, OMIM 114480. Disease mechanism: loss of function.

Allele frequency attached by ClinVar (database versions not stated): gnomAD exomes below 0.00001.

Submission:

Labcorp Genetics (formerly Invitae), Labcorp
Classification: Uncertain significance for Familial cancer of breast; Fanconi anemia complementation group J. Last evaluated: 2025-08-13. Review status: criteria provided, single submitter. Criteria: Invitae Variant Classification Sherloc (09022015). Collection method: clinical testing. Allele origin: germline.
Comment: This sequence change replaces alanine, which is neutral and non-polar, with threonine, which is neutral and polar, at codon 89 of the BRIP1 protein (p.Ala89Thr). This variant is not present in population databases (gnomAD no frequency). This variant has not been reported in the literature in individuals affected with BRIP1-related conditions. ClinVar contains an entry for this variant (Variation ID: 461122). Invitae Evidence Modeling of protein sequence and biophysical properties (such as structural, functional, and spatial information, amino acid conservation, physicochemical variation, residue mobility, and thermodynamic stability) indicates that this missense variant is not expected to disrupt BRIP1 protein function with a negative predictive value of 95%. In summary, the available evidence is currently insufficient to determine the role of this variant in disease. Therefore, it has been classified as a Variant of Uncertain Significance.

NM_032043.3(BRIP1):c.265G>A (p.Ala89Thr)

Gene: BRIP1 (BRCA1 interacting DNA helicase 1; minus strand). Cytogenetic location: 17q23.2.
Variant type: single nucleotide variant.
Coding change: c.265G>A on transcript NM_032043.3 (MANE Select); coding-DNA position 265, G replaced by A.
Protein change: p.Ala89Thr; replaces alanine 89 with threonine.
Molecular consequence: missense variant.
Genome position (GRCh38, 1-based): chr17:61,857,172, C>T on the plus strand (G>A on the coding strand, the complement: BRIP1 is on the minus strand). VCF-style: chr17-61857172-C-T. GRCh37 (hg19) VCF-style: chr17-59934533-C-T.
Other names: short protein forms A89T.
Identifiers: ClinVar variation 461122 (VCV000461122.11), dbSNP rs1555617884, ClinGen allele CA400485501.
Genomic context (GRCh38, chr17:61,857,172, plus strand): 5'-TGAAATGACGTGAAGTTCCTTGGTTCATGTCATTGTTTGTAAAATCCTTTGAATGGCATG[C>T]ACAACAACATGACAATTGTACTTCAGCTTTTTCACTTACGCCCTCATCTGCTGGTTTCCC-3'
Protein context (NP_114432.2, residues 79-99): KAEVQLSCCC[Ala89Thr]CHSKDFTNND